The following is an entry in ClinVar:

NM_001378418.1(TCF20):c.1163dup (p.Leu389fs)

Gene: TCF20 (transcription factor 20; minus strand). Cytogenetic location: 22q13.2.
Variant type: Duplication.
Coding change: c.1163dup on transcript NM_001378418.1 (MANE Select); coding-DNA position 1163, one base duplicated (C; older notation c.1163dupC).
Protein change: p.Leu389fs; shifts the reading frame from leucine 389.
Molecular consequence: frameshift variant.
Genome position (GRCh38, 1-based): chr22:42,214,143, G duplicated on the plus strand (C on the coding strand, the reverse complement: TCF20 is on the minus strand); the first of 2 consecutive G bases (chr22:42,214,143-42,214,144); duplicating either gives the same sequence. VCF-style (leftmost placement, unchanged base first): chr22-42214142-A-AG. GRCh37 (hg19) VCF-style: chr22-42610148-A-AG.
Other names: c.1163dup, p.Leu389fs (NM_005650.4, NM_181492.3); short protein forms L389fs.
Identifiers: ClinVar variation 4855068 (VCV004855068.1).
Genomic context (GRCh38, chr22:42,214,142, plus strand): 5'-TCTGGAACCCATAGGCACACTGCCTTGCCCACACTGGAGATTCTCCCCAGTCTGCATGAG[A>AG]GGAGATGGGGTAGAACTACAGCTTGGAGACTGAACCACAGAGGCAGCTGGAGAAGGGTTA-3'

ClinVar aggregate classification (germline): Likely pathogenic (1 of 4 stars; one submission).

Conditions:
Developmental delay with variable intellectual impairment and behavioral abnormalities. Identifiers: MedGen C5193092, MONDO:0032745, OMIM 618430.

Submission:

3billion
Classification: Likely pathogenic for Developmental delay with variable intellectual impairment and behavioral abnormalities. Last evaluated: 2025-10-08. Review status: criteria provided, single submitter. Criteria: ACMG Guidelines, 2015. Collection method: clinical testing. Allele origin: germline. Affected: yes.
Comment: The variant is not observed in the gnomAD v4.1.0 dataset. Predicted Consequence/Location: Frameshift: predicted to result in a loss or disruption of normal protein function through nonsense-mediated decay (NMD) or protein truncation. Multiple pathogenic variants are reported downstream of the variant. Therefore, this variant is classified as Likely pathogenic according to the recommendation of ACMG/AMP guideline.